The following is an entry in ClinVar:

ClinVar aggregate classification (germline): Pathogenic. Review status: criteria provided, multiple submitters, no conflicts (2 of 4 stars). 3 submissions from 3 submitters: Pathogenic (3). Last evaluated 2024-02-09.

Conditions:
Inborn genetic diseases. Identifiers: MedGen C0950123, MeSH D030342.

Allele frequency attached by ClinVar (database versions not stated): gnomAD exomes 0.00001; gnomAD 0.00003 and 0.00004; TOPMed 0.00003.

Submissions (3):

Labcorp Genetics (formerly Invitae), Labcorp
Classification: Pathogenic. Last evaluated: 2024-02-09. Review status: criteria provided, single submitter. Criteria: Invitae Variant Classification Sherloc (09022015). Collection method: clinical testing. Allele origin: germline.
Comment: This sequence change creates a premature translational stop signal (p.Gln330*) in the TBCD gene. It is expected to result in an absent or disrupted protein product. Loss-of-function variants in TBCD are known to be pathogenic (PMID: 27666370, 27666374). This variant is present in population databases (no rsID available, gnomAD 0.007%). This variant has not been reported in the literature in individuals affected with TBCD-related conditions. ClinVar contains an entry for this variant (Variation ID: 489140). For these reasons, this variant has been classified as Pathogenic.

Ambry Genetics
Classification: Pathogenic for Inborn genetic diseases. Last evaluated: 2022-07-19. Review status: criteria provided, single submitter. Criteria: Ambry Variant Classification Scheme 2023. Collection method: clinical testing. Allele origin: germline.
Comment: The c.988C>T (p.Q330*) alteration, located in exon 10 (coding exon 10) of the TBCD gene, consists of a C to T substitution at nucleotide position 988. This changes the amino acid from a glutamine (Q) to a stop codon at amino acid position 330. This alteration is expected to result in loss of function by premature protein truncation or nonsense-mediated mRNA decay. This allele was reported in one heterozygous individual in population-based cohorts in the Genome Aggregation Database (gnomAD). Based on the available evidence, this alteration is classified as pathogenic.

GeneDx
Classification: Pathogenic. Last evaluated: 2018-12-06. Review status: criteria provided, single submitter. Criteria: GeneDx Variant Classification (06012015). Collection method: clinical testing. Allele origin: germline. Affected: yes.
Comment: The Q330X variant in the TBCD gene has not been reported previously as a pathogenic variant nor as a benign variant, to our knowledge. This variant is predicted to cause loss of normal protein function either through protein truncation or nonsense-mediated mRNA decay. The Q330X variant is not observed at a significant frequency in large population cohorts (Lek et al., 2016). We interpret Q330X as a pathogenic variant.

Literature cited by the submitters: PubMed 27666370 (cited by Labcorp Genetics (formerly Invitae), Labcorp); PubMed 27666374 (cited by Labcorp Genetics (formerly Invitae), Labcorp).

NM_005993.5(TBCD):c.988C>T (p.Gln330Ter)

Gene: TBCD (tubulin folding cofactor D). Cytogenetic location: 17q25.3.
Variant type: single nucleotide variant.
Coding change: c.988C>T on transcript NM_005993.5 (MANE Select); coding-DNA position 988, C replaced by T.
Protein change: p.Gln330Ter; replaces glutamine 330 with a stop codon.
Molecular consequence: nonsense.
Genome position (GRCh38, 1-based): chr17:82,805,912, C>T. VCF-style: chr17-82805912-C-T. GRCh37 (hg19) VCF-style: chr17-80763788-C-T.
Other names: short protein forms Q330*.
Identifiers: ClinVar variation 489140 (VCV000489140.7), dbSNP rs1419604407, ClinGen allele CA401619657.
Genomic context (GRCh38, chr17:82,805,912, plus strand): 5'-TGAGGATGCTTTGCTTTGCACAGGTACCAGCGTGGCTGCCGATCTTTGGCTGCAAATCTG[C>T]AGCTCCTCACTCAGGGTCAGAGTGAGCAGAAGCCACTCATCCTGACCGAAGATGACGACG-3'